The following is an entry in ClinVar:

ClinVar aggregate classification (germline): Conflicting classifications of pathogenicity. Review status: criteria provided, conflicting classifications (1 of 4 stars). 2 submissions from 2 submitters: Uncertain significance (1); Benign (1). Last evaluated 2026-02-14.

Conditions:
Primary ciliary dyskinesia. Also called: Ciliary dyskinesia. Identifiers: Orphanet 244, MedGen C0008780, MONDO:0016575, HP:0012265.

Allele frequency attached by ClinVar (database versions not stated): gnomAD exomes below 0.00001; ExAC 0.00001; TOPMed 0.00002; ESP Exome Variant Server 0.00008.
gnomAD v4.1: 6 of 1,613,926 alleles (0.00037%); highest among the groups gnomAD compares: Admixed American, 0.005%; no homozygotes.

Submissions (2):

Ambry Genetics
Classification: Uncertain significance for Primary ciliary dyskinesia. Last evaluated: 2026-02-14. Review status: criteria provided, single submitter. Criteria: Ambry Variant Classification Scheme 2023. Collection method: clinical testing. Allele origin: germline.
Comment: The p.H1051R variant (also known as c.3152A>G), located in coding exon 16 of the DNAH11 gene, results from an A to G substitution at nucleotide position 3152. The histidine at codon 1051 is replaced by arginine, an amino acid with highly similar properties. This amino acid position is conserved. In addition, this alteration is predicted to be tolerated by in silico analysis. Based on the available evidence, the clinical significance of this variant remains unclear.

Labcorp Genetics (formerly Invitae), Labcorp
Classification: Benign for Primary ciliary dyskinesia. Last evaluated: 2025-04-08. Review status: criteria provided, single submitter. Criteria: Invitae Variant Classification Sherloc (09022015). Collection method: clinical testing. Allele origin: germline.

NM_001277115.2(DNAH11):c.3152A>G (p.His1051Arg)

Genes: DNAH11 (dynein axonemal heavy chain 11; plus strand), LOC126859961 (BRD4-independent group 4 enhancer GRCh37_chr7:21639662-21640861; plus strand). Cytogenetic location: 7p15.3.
Variant type: single nucleotide variant.
Coding change: c.3152A>G on transcript NM_001277115.2 (MANE Select); coding-DNA position 3152, A replaced by G.
Protein change: p.His1051Arg; replaces histidine 1051 with arginine.
Molecular consequence: missense variant.
Genome position (GRCh38, 1-based): chr7:21,600,827, A>G. VCF-style: chr7-21600827-A-G. GRCh37 (hg19) VCF-style: chr7-21640445-A-G.
Other names: c.3152A>G, p.His1051Arg (NM_003777.3); c.3152A>G (NM_001277115.1); short protein forms H1051R.
Identifiers: ClinVar variation 2738382 (VCV002738382.4), dbSNP rs375664853, ClinGen allele CA4179540.
Genomic context (GRCh38, chr7:21,600,827, plus strand): 5'-GAAACACCCTGGAGACCCACACTTACCTCTGGGTGGATGATCGAGCTGAGTTTATGAAGC[A>G]TTTTCTCTTGTATGGCCATGCTGTGTCTTCCGATGAAATGGATGCTCATGCAAATGAAGA-3'
Protein context (NP_001264044.1, residues 1041-1061): WVDDRAEFMK[His1051Arg]FLLYGHAVSS